The following is an entry in ClinVar:

ClinVar aggregate classification (germline): Conflicting classifications of pathogenicity. Review status: criteria provided, conflicting classifications (1 of 4 stars). 4 submissions from 4 submitters: Uncertain significance (3); Likely benign (1). Last evaluated 2024-03-13.

Conditions:
Thyroid hormone resistance, generalized, autosomal dominant (GRTHD). Also called: HYPERTHYROXINEMIA, FAMILIAL EUTHYROID, SECONDARY TO PITUITARY AND PERIPHERAL RESISTANCE TO THYROID HORMONES. Identifiers: MedGen C2937288, MONDO:0008569, OMIM 188570.

Allele frequency attached by ClinVar (database versions not stated): ExAC 0.00018; gnomAD exomes 0.00018 and 0.00045; 1000 Genomes Project 0.00020; TOPMed 0.00022; gnomAD 0.00027 and 0.00028; 1000 Genomes Project 30x 0.00031; ESP Exome Variant Server 0.00038.
gnomAD v4.1: 675 of 1,612,918 alleles (0.042%); highest among the groups gnomAD compares: Non-Finnish European, 0.056%; no homozygotes.

Submissions (4):

Quest Diagnostics Nichols Institute San Juan Capistrano
Classification: Uncertain significance. Last evaluated: 2024-03-13. Review status: criteria provided, single submitter. Criteria: Quest Diagnostics criteria. Collection method: clinical testing. Allele origin: unknown.
Comment: The THRB c.11A>G (p.Asn4Ser) variant has not been reported in individuals with THRB-related conditions in the published literature. The frequency of this variant in the general population, 0.00037 (48/128898 chromosomes (Genome Aggregation Database)), is uninformative in the assessment of its pathogenicity. Analysis of this variant using bioinformatics tools for the prediction of the effect of amino acid changes on protein structure and function yielded conflicting predictions that this variant is benign or damaging. Based on the available information, we are unable to determine the clinical significance of this variant.

Centre of Medical Genetics, University Hospital Muenster
Classification: Uncertain significance. Last evaluated: 2021-12-08. Review status: criteria provided, single submitter. Criteria: ACMG Guidelines, 2015. Collection method: clinical testing. Allele origin: unknown. Affected: yes. Observed: 1 variant allele, 1 heterozygote.
Comment: ACMG categories: PM1,PM2,PP3,BP1

Labcorp Genetics (formerly Invitae), Labcorp
Classification: Likely benign. Last evaluated: 2020-07-02. Review status: criteria provided, single submitter. Criteria: Invitae Variant Classification Sherloc (09022015). Collection method: clinical testing. Allele origin: germline.

Illumina Laboratory Services, Illumina
Classification: Uncertain significance for Thyroid hormone resistance, generalized, autosomal dominant. Last evaluated: 2018-01-12. Review status: criteria provided, single submitter. Criteria: ICSL Variant Classification Criteria 13 December 2019. Collection method: clinical testing. Allele origin: germline.

NM_001354712.2(THRB):c.11A>G (p.Asn4Ser)

Gene: THRB (thyroid hormone receptor beta; minus strand). Cytogenetic location: 3p24.2.
Variant type: single nucleotide variant.
Coding change: c.11A>G on transcript NM_001354712.2 (MANE Select); coding-DNA position 11, A replaced by G.
Protein change: p.Asn4Ser; replaces asparagine 4 with serine.
Molecular consequence: missense variant. On other transcripts: intron variant (2).
Genome position (GRCh38, 1-based): chr3:24,228,949, T>C on the plus strand (A>G on the coding strand, the complement: THRB is on the minus strand). VCF-style: chr3-24228949-T-C. GRCh37 (hg19) VCF-style: chr3-24270440-T-C.
Other names: c.11A>G, p.Asn4Ser (NM_000461.5, NM_001128176.3, NM_001128177.2 and 12 more transcripts); c.-71-38615A>G (NM_001354714.2, NM_001354715.2); short protein forms N4S.
Identifiers: ClinVar variation 900164 (VCV000900164.10), dbSNP rs114070375, ClinGen allele CA2287488.